The following is an entry in ClinVar:

NM_182916.3(TRNT1):c.148+17C>T

Gene: TRNT1 (tRNA nucleotidyl transferase 1; plus strand). Cytogenetic location: 3p26.2.
Variant type: single nucleotide variant.
Coding change: c.148+17C>T on transcript NM_182916.3 (MANE Select); 17 bases into the intron after coding-DNA position 148, C replaced by T.
Molecular consequence: intron variant.
Genome position (GRCh38, 1-based): chr3:3,129,205, C>T. VCF-style: chr3-3129205-C-T. GRCh37 (hg19) VCF-style: chr3-3170889-C-T.
Other names: c.148+17C>T (NM_001367321.1, NM_001367323.1, NM_001367322.1 and 1 more transcripts).
Identifiers: ClinVar variation 1585482 (VCV001585482.14), dbSNP rs200220844, ClinGen allele CA2228529.

ClinVar aggregate classification (germline): Likely benign. Review status: criteria provided, multiple submitters, no conflicts (2 of 4 stars). 2 submissions from 2 submitters: Likely benign (2). Last evaluated 2026-01-26.

Conditions:
Congenital sideroblastic anemia-B-cell immunodeficiency-periodic fever-developmental delay syndrome. Also called: Sideroblastic anemia with B-cell immunodeficiency, periodic fevers, and developmental delay. Identifiers: Orphanet 369861, MedGen C4015172, MONDO:0014487, OMIM 616084.

Allele frequency attached by ClinVar (database versions not stated): TOPMed 0.00001; ExAC 0.00009; gnomAD exomes 0.00011; 1000 Genomes Project 30x 0.00078; 1000 Genomes Project 0.00080.
gnomAD v4.1: 61 of 1,611,916 alleles (0.0038%); highest among the groups gnomAD compares: East Asian, 0.067%; no homozygotes.

Submissions (2):

Labcorp Genetics (formerly Invitae), Labcorp
Classification: Likely benign for Congenital sideroblastic anemia-B-cell immunodeficiency-periodic fever-developmental delay syndrome. Last evaluated: 2026-01-26. Review status: criteria provided, single submitter. Criteria: Invitae Variant Classification Sherloc (09022015). Collection method: clinical testing. Allele origin: germline.

CeGaT Center for Human Genetics Tuebingen
Classification: Likely benign. Last evaluated: 2025-10-01. Review status: criteria provided, single submitter. Criteria: CeGaT Center For Human Genetics Tuebingen Variant Classification Criteria Version 2. Collection method: clinical testing. Allele origin: germline. Affected: yes. Observed: 1 variant allele.
Comment: TRNT1: BP4, BP7